The following is an entry in ClinVar:

ClinVar aggregate classification (germline): Uncertain significance (1 of 4 stars; one submission).

Submission:

Labcorp Genetics (formerly Invitae), Labcorp
Classification: Uncertain significance. Last evaluated: 2025-02-03. Review status: criteria provided, single submitter. Criteria: Invitae Variant Classification Sherloc (09022015). Collection method: clinical testing. Allele origin: germline.
Comment: This sequence change replaces methionine, which is neutral and non-polar, with leucine, which is neutral and non-polar, at codon 2935 of the CPLANE1 protein (p.Met2935Leu). This variant is not present in population databases (gnomAD no frequency). This variant has not been reported in the literature in individuals affected with CPLANE1-related conditions. ClinVar contains an entry for this variant (Variation ID: 2131031). Invitae Evidence Modeling of protein sequence and biophysical properties (such as structural, functional, and spatial information, amino acid conservation, physicochemical variation, residue mobility, and thermodynamic stability) indicates that this missense variant is not expected to disrupt CPLANE1 protein function with a negative predictive value of 95%. In summary, the available evidence is currently insufficient to determine the role of this variant in disease. Therefore, it has been classified as a Variant of Uncertain Significance.

NM_001384732.1(CPLANE1):c.8965A>T (p.Met2989Leu)

Gene: CPLANE1 (ciliogenesis and planar polarity effector complex subunit 1; minus strand). Cytogenetic location: 5p13.2.
Variant type: single nucleotide variant.
Coding change: c.8965A>T on transcript NM_001384732.1 (MANE Select); coding-DNA position 8965, A replaced by T.
Protein change: p.Met2989Leu; replaces methionine 2989 with leucine.
Molecular consequence: missense variant.
Genome position (GRCh38, 1-based): chr5:37,122,482, T>A on the plus strand (A>T on the coding strand, the complement: CPLANE1 is on the minus strand). VCF-style: chr5-37122482-T-A. GRCh37 (hg19) VCF-style: chr5-37122584-T-A.
Other names: c.8803A>T, p.Met2935Leu (NM_023073.4); short protein forms M2989L, M2935L.
Identifiers: ClinVar variation 2131031 (VCV002131031.4), dbSNP rs775563318, ClinGen allele CA359497069.
Genomic context (GRCh38, chr5:37,122,482, plus strand): 5'-AAACTCACCTGTCTTTTTCATGCTTCATCTTTTGTCTCAGCCTTATTTCCCTTGAAGTCA[T>A]GTAAAGCTGCATAAAAAATACCCAGTTGGTTCATTATTGTTCAATCCAAATAATTAAACC-3'
Protein context (NP_001371661.1, residues 2979-2999): PFCPRSNPLY[Met2989Leu]TSREIRLRQK